The following is an entry in ClinVar:

ClinVar aggregate classification (germline): Benign (0 of 4 stars; one submission).

Conditions:
KCNIP4-related disorder. Also called: KCNIP4-related condition.

Allele frequency attached by ClinVar (database versions not stated): ESP Exome Variant Server 0.32531; TOPMed 0.34447; 1000 Genomes Project 30x 0.34697; 1000 Genomes Project 0.34924; gnomAD 0.35146; ExAC 0.40644; gnomAD exomes 0.41036.
gnomAD v4.1: 652,213 of 1,612,108 alleles (40%); highest among the groups gnomAD compares: Admixed American, 50%; 135,266 homozygotes.

Submission:

PreventionGenetics, part of Exact Sciences
Classification: Benign for KCNIP4-related condition. Last evaluated: 2019-10-18. Review status: no assertion criteria provided. Collection method: clinical testing. Allele origin: germline.
Comment: This variant is classified as benign based on ACMG/AMP sequence variant interpretation guidelines (Richards et al. 2015 PMID: 25741868, with internal and published modifications).

NM_025221.6(KCNIP4):c.210T>C (p.Pro70=)

Gene: KCNIP4 (potassium voltage-gated channel interacting protein 4; minus strand). Cytogenetic location: 4p15.31.
Variant type: single nucleotide variant.
Coding change: c.210T>C on transcript NM_025221.6 (MANE Select); coding-DNA position 210, T replaced by C.
Protein change: p.Pro70=; no amino-acid change (proline 70 retained).
Molecular consequence: synonymous variant.
Genome position (GRCh38, 1-based): chr4:20,850,621, A>G on the plus strand (T>C on the coding strand, the complement: KCNIP4 is on the minus strand). VCF-style: chr4-20850621-A-G. GRCh37 (hg19) VCF-style: chr4-20852244-A-G.
Other names: c.135T>C, p.Pro45= (NM_001035003.2); c.24T>C, p.Pro8= (NM_001035004.2, NM_147182.4); c.159T>C, p.Pro53= (NM_001363504.2); c.108T>C, p.Pro36= (NM_147181.4); c.147T>C, p.Pro49= (NM_147183.3).
Identifiers: ClinVar variation 3060065 (VCV003060065.2), dbSNP rs3765122, ClinGen allele CA2873076.
Genomic context (GRCh38, chr4:20,850,621, plus strand): 5'-AAGGATCTGAAGCTCTTTCTTGGTAAATTTGCTCTGGGCTTCCAGAAGCTCAAGGGCTTC[A>G]GGCCGATGCCTGACGGTGGCCATCTCCAGTTCATCTTCCACGCTGTCTGTGGAGGAAAAC-3'
Protein context (NP_079497.2, residues 60-80): ELEMATVRHR[Pro70=]EALELLEAQS